The following is an entry in ClinVar:

NM_000069.3(CACNA1S):c.1087C>T (p.Leu363Phe)

Gene: CACNA1S (calcium voltage-gated channel subunit alpha1 S; minus strand). Cytogenetic location: 1q32.1.
Variant type: single nucleotide variant.
Coding change: c.1087C>T on transcript NM_000069.3 (MANE Select); coding-DNA position 1087, C replaced by T.
Protein change: p.Leu363Phe; replaces leucine 363 with phenylalanine.
Molecular consequence: missense variant.
Genome position (GRCh38, 1-based): chr1:201,085,499, G>A on the plus strand (C>T on the coding strand, the complement: CACNA1S is on the minus strand). VCF-style: chr1-201085499-G-A. GRCh37 (hg19) VCF-style: chr1-201054627-G-A.
Other names: short protein forms L363F.
Identifiers: ClinVar variation 2929135 (VCV002929135.3), dbSNP rs774552212, ClinGen allele CA344129393.

ClinVar aggregate classification (germline): Uncertain significance (1 of 4 stars; one submission).

Conditions:
Malignant hyperthermia, susceptibility to, 5 (MHS5). Also called: CACNA1S-Related Malignant Hyperthermia Susceptibility. Identifiers: Orphanet 423, MedGen C1866077, MONDO:0011163, OMIM 601887.
Hypokalemic periodic paralysis, type 1. Also called: Hypokalemic Periodic Paralysis Type 1 (AD); HypoPP. Identifiers: Orphanet 681, MedGen C3714580, MONDO:0042979, OMIM 170400.

Submission:

Labcorp Genetics (formerly Invitae), Labcorp
Classification: Uncertain significance for Hypokalemic periodic paralysis, type 1; Malignant hyperthermia, susceptibility to, 5. Last evaluated: 2023-10-23. Review status: criteria provided, single submitter. Criteria: Invitae Variant Classification Sherloc (09022015). Collection method: clinical testing. Allele origin: germline.
Comment: This sequence change replaces leucine, which is neutral and non-polar, with phenylalanine, which is neutral and non-polar, at codon 363 of the CACNA1S protein (p.Leu363Phe). This variant is not present in population databases (gnomAD no frequency). This variant has not been reported in the literature in individuals affected with CACNA1S-related conditions. Advanced modeling of protein sequence and biophysical properties (such as structural, functional, and spatial information, amino acid conservation, physicochemical variation, residue mobility, and thermodynamic stability) performed at Invitae indicates that this missense variant is not expected to disrupt CACNA1S protein function with a negative predictive value of 80%. In summary, the available evidence is currently insufficient to determine the role of this variant in disease. Therefore, it has been classified as a Variant of Uncertain Significance.